The following is an entry in ClinVar:

NM_000384.3(APOB):c.3904T>C (p.Phe1302Leu)

Gene: APOB (apolipoprotein B; minus strand). Cytogenetic location: 2p24.1.
Variant type: single nucleotide variant.
Coding change: c.3904T>C on transcript NM_000384.3 (MANE Select); coding-DNA position 3904, T replaced by C.
Protein change: p.Phe1302Leu; replaces phenylalanine 1302 with leucine.
Molecular consequence: missense variant.
Genome position (GRCh38, 1-based): chr2:21,013,472, A>G on the plus strand (T>C on the coding strand, the complement: APOB is on the minus strand). VCF-style: chr2-21013472-A-G. GRCh37 (hg19) VCF-style: chr2-21236344-A-G.
Other names: short protein forms F1302L.
Identifiers: ClinVar variation 630317 (VCV000630317.12), dbSNP rs201926213, ClinGen allele CA060193.
Genomic context (GRCh38, chr2:21,013,472, plus strand): 5'-GGAGGGCTGGTGTCCTAACAGTCTCTAACATCTTTAGATCTCTGGAGGATTTGCCACCAA[A>G]AGGCAAAGGAATCTCAATTTTCAAACTGTTCTTGTTCAAGGTATATTTGACCCGGCCATC-3'
Protein context (NP_000375.3, residues 1292-1312): NSLKIEIPLP[Phe1302Leu]GGKSSRDLKM

ClinVar aggregate classification (germline): Conflicting classifications of pathogenicity. Review status: criteria provided, conflicting classifications (1 of 4 stars). 3 submissions from 3 submitters: Uncertain significance (1); Likely benign (2). Last evaluated 2025-12-24.

Conditions:
Cardiovascular phenotype. Identifiers: MedGen CN230736.
Hypercholesterolemia, autosomal dominant, type B (FHCL2). Also called: APOB-Related Familial Hypercholesterolemia, Autosomal Dominant; Hyperlipoproteinemia Type IIb; Familial Hypercholesterolemia Type B; APOLIPOPROTEIN B-100, FAMILIAL DEFECTIVE; APOLIPOPROTEIN B-100, FAMILIAL LIGAND-DEFECTIVE; Familial hypercholesterolemia 2. Identifiers: MedGen C1704417, MONDO:0007751, OMIM 144010.
Familial hypobetalipoproteinemia 1. Also called: APOB-Related Familial Hypobetalipoproteinemia; Hypobetalipoproteinemia, normotriglyceridemic; Acanthocytosis with hypobetalipoproteinemia. Identifiers: MedGen C4551990, MONDO:0014252, OMIM 615558.

Allele frequency attached by ClinVar (database versions not stated): TOPMed 0.00006; ExAC 0.00002; gnomAD exomes 0.00003; gnomAD 0.00004 and 0.00005.
gnomAD v4.1: 37 of 1,614,064 alleles (0.0023%); highest among the groups gnomAD compares: African/African-American, 0.0013%; no homozygotes.

Submissions (3):

Labcorp Genetics (formerly Invitae), Labcorp
Classification: Likely benign for Familial hypobetalipoproteinemia 1; Hypercholesterolemia, autosomal dominant, type B. Last evaluated: 2025-12-24. Review status: criteria provided, single submitter. Criteria: Invitae Variant Classification Sherloc (09022015). Collection method: clinical testing. Allele origin: germline.

Ambry Genetics
Classification: Likely benign for Cardiovascular phenotype. Last evaluated: 2024-01-08. Review status: criteria provided, single submitter. Criteria: Ambry Variant Classification Scheme 2023. Collection method: clinical testing. Allele origin: germline.

New York Genome Center
Classification: Uncertain significance for Hypercholesterolemia, autosomal dominant, type B; Familial hypobetalipoproteinemia 1. Last evaluated: 2022-03-14. Review status: criteria provided, single submitter. Criteria: NYGC Assertion Criteria 2020. Collection method: clinical testing. Allele origin: germline. Observed: 1 heterozygote.
Comment: The heterozygous c.3904T>C (p.Phe1302Leu) missense variant identified in the APOB gene has not been reported in affected individuals in the literature. The variant has 0.00004599 allele frequency in the gnomAD(v3) database (7 out of 152196 heterozygous alleles, no homozygotes) suggesting it is not a common benign variant in the populations represented in that database. This variant has been reported in the ClinVar database as a variant of uncertain significance [Variation ID: 630317]. The variant affects a moderately conserved residue and in silico tools provide conflicting predictions about potential pathogenicity of this variant (CADD score = 20.8, REVEL score = 0.189). Based on the available evidence, the heterozygous c.3904T>C (p.Phe1302Leu) variant identified in the APOB gene is reported as a Variant of Uncertain Significance.